The following is an entry in ClinVar:

NM_000929.3(PLA2G5):c.392A>G (p.Tyr131Cys)

Gene: PLA2G5 (phospholipase A2 group V; plus strand). Cytogenetic location: 1p36.13.
Variant type: single nucleotide variant.
Coding change: c.392A>G on transcript NM_000929.3 (MANE Select); coding-DNA position 392, A replaced by G.
Protein change: p.Tyr131Cys; replaces tyrosine 131 with cysteine.
Molecular consequence: missense variant.
Genome position (GRCh38, 1-based): chr1:20,090,667, A>G. VCF-style: chr1-20090667-A-G. GRCh37 (hg19) VCF-style: chr1-20417160-A-G.
Other names: short protein forms Y131C.
Identifiers: ClinVar variation 961521 (VCV000961521.9), dbSNP rs2016525641, ClinGen allele CA338823123.

ClinVar aggregate classification (germline): Uncertain significance (1 of 4 stars; one submission).

Allele frequency attached by ClinVar (database versions not stated): gnomAD exomes below 0.00001.
gnomAD v4.1: 3 of 1,613,926 alleles (0.00019%); highest among the groups gnomAD compares: Non-Finnish European, 0.00017%; no homozygotes.

Submission:

Labcorp Genetics (formerly Invitae), Labcorp
Classification: Uncertain significance. Last evaluated: 2022-03-19. Review status: criteria provided, single submitter. Criteria: Invitae Variant Classification Sherloc (09022015). Collection method: clinical testing. Allele origin: germline.
Comment: ClinVar contains an entry for this variant (Variation ID: 961521). In summary, the available evidence is currently insufficient to determine the role of this variant in disease. Therefore, it has been classified as a Variant of Uncertain Significance. Algorithms developed to predict the effect of missense changes on protein structure and function are either unavailable or do not agree on the potential impact of this missense change (SIFT: "Tolerated"; PolyPhen-2: "Probably Damaging"; Align-GVGD: "Class C0"). This variant has not been reported in the literature in individuals affected with PLA2G5-related conditions. This variant is not present in population databases (gnomAD no frequency). This sequence change replaces tyrosine, which is neutral and polar, with cysteine, which is neutral and slightly polar, at codon 131 of the PLA2G5 protein (p.Tyr131Cys).